The following is an entry in ClinVar:

NM_012469.4(PRPF6):c.2186G>A (p.Arg729Gln)

Gene: PRPF6 (pre-mRNA processing factor 6; plus strand). Cytogenetic location: 20q13.33.
Variant type: single nucleotide variant.
Coding change: c.2186G>A on transcript NM_012469.4 (MANE Select); coding-DNA position 2186, G replaced by A.
Protein change: p.Arg729Gln; replaces arginine 729 with glutamine.
Molecular consequence: missense variant.
Genome position (GRCh38, 1-based): chr20:64,027,139, G>A. VCF-style: chr20-64027139-G-A. GRCh37 (hg19) VCF-style: chr20-62658492-G-A.
Other names: short protein forms R729Q.
Identifiers: ClinVar variation 1052808 (VCV001052808.8), dbSNP rs764232825, ClinGen allele CA317547854.
Genomic context (GRCh38, chr20:64,027,139, plus strand): 5'-CCAAGCTGTGGATGATGAAGGGGCAGATCGAGGAGCAGAAGGAGATGATGGAGAAGGCGC[G>A]GGAAGCCTATAACCAGGGGGTACGTCTCTGCCTGCACCCTGGGGCTGCAGCTGACCCGGC-3'
Protein context (NP_036601.2, residues 719-739): EEQKEMMEKA[Arg729Gln]EAYNQGLKKC

ClinVar aggregate classification (germline): Uncertain significance. Review status: criteria provided, multiple submitters, no conflicts (2 of 4 stars). 2 submissions from 2 submitters: Uncertain significance (2). Last evaluated 2024-07-17.

Allele frequency attached by ClinVar (database versions not stated): gnomAD exomes 0.00002 and 0.00008; gnomAD 0.00003 and 0.00004; TOPMed 0.00004.
gnomAD v4.1: 116 of 1,613,542 alleles (0.0072%); highest among the groups gnomAD compares: Non-Finnish European, 0.0093%; no homozygotes.

Submissions (2):

Labcorp Genetics (formerly Invitae), Labcorp
Classification: Uncertain significance. Last evaluated: 2024-07-17. Review status: criteria provided, single submitter. Criteria: Invitae Variant Classification Sherloc (09022015). Collection method: clinical testing. Allele origin: germline.
Comment: This sequence change replaces arginine, which is basic and polar, with glutamine, which is neutral and polar, at codon 729 of the PRPF6 protein (p.Arg729Gln). This variant is present in population databases (rs764232825, gnomAD 0.004%). This missense change has been observed in individual(s) with clinical features of retinitis pigmentosa (Invitae). ClinVar contains an entry for this variant (Variation ID: 1052808). Advanced modeling of protein sequence and biophysical properties (such as structural, functional, and spatial information, amino acid conservation, physicochemical variation, residue mobility, and thermodynamic stability) performed at Invitae indicates that this missense variant is not expected to disrupt PRPF6 protein function with a negative predictive value of 80%. This variant disrupts the p.Arg729 amino acid residue in PRPF6. Other variant(s) that disrupt this residue have been observed in individuals with PRPF6-related conditions (PMID: 21549338), which suggests that this may be a clinically significant amino acid residue. In summary, the available evidence is currently insufficient to determine the role of this variant in disease. Therefore, it has been classified as a Variant of Uncertain Significance.

Blueprint Genetics
Classification: Uncertain significance. Last evaluated: 2018-04-11. Review status: criteria provided, single submitter. Criteria: ACMG Guidelines, 2015. Collection method: clinical testing. Allele origin: germline.

Literature cited by the submitters: PubMed 21549338 (cited by Labcorp Genetics (formerly Invitae), Labcorp).